The following is an entry in ClinVar:

ClinVar aggregate classification (germline): Uncertain significance (1 of 4 stars; one submission).

Conditions:
Ellis-van Creveld syndrome (EVC). Also called: EVC-Related Ellis-van Creveld Syndrome; EVC2-Related Ellis-van Creveld Syndrome; MESOECTODERMAL DYSPLASIA; Chondroectodermal dysplasia. Identifiers: Orphanet 289, MedGen C0013903, MONDO:0009162, OMIM 225500.
Curry-Hall syndrome (WAD). Also called: WEYERS ACRODENTAL DYSOSTOSIS. Identifiers: Orphanet 952, MedGen C0457013, MONDO:0008673, OMIM 193530.

Allele frequency attached by ClinVar (database versions not stated): gnomAD exomes below 0.00001; gnomAD 0.00001; TOPMed 0.00002.
gnomAD v4.1: 2 of 1,614,042 alleles (0.00012%); highest among the groups gnomAD compares: Admixed American, 0.0017%; no homozygotes.

Submission:

Labcorp Genetics (formerly Invitae), Labcorp
Classification: Uncertain significance for Curry-Hall syndrome; Ellis-van Creveld syndrome. Last evaluated: 2024-04-16. Review status: criteria provided, single submitter. Criteria: Invitae Variant Classification Sherloc (09022015). Collection method: clinical testing. Allele origin: germline.
Comment: This sequence change replaces proline, which is neutral and non-polar, with serine, which is neutral and polar, at codon 921 of the EVC protein (p.Pro921Ser). This variant is not present in population databases (gnomAD no frequency). This variant has not been reported in the literature in individuals affected with EVC-related conditions. ClinVar contains an entry for this variant (Variation ID: 845826). Advanced modeling of protein sequence and biophysical properties (such as structural, functional, and spatial information, amino acid conservation, physicochemical variation, residue mobility, and thermodynamic stability) performed at Invitae indicates that this missense variant is not expected to disrupt EVC protein function with a negative predictive value of 80%. In summary, the available evidence is currently insufficient to determine the role of this variant in disease. Therefore, it has been classified as a Variant of Uncertain Significance.

NM_153717.3(EVC):c.2761C>T (p.Pro921Ser)

Gene: EVC (EvC ciliary complex subunit 1; plus strand). Cytogenetic location: 4p16.2.
Variant type: single nucleotide variant.
Coding change: c.2761C>T on transcript NM_153717.3 (MANE Select); coding-DNA position 2761, C replaced by T.
Protein change: p.Pro921Ser; replaces proline 921 with serine.
Molecular consequence: missense variant.
Genome position (GRCh38, 1-based): chr4:5,809,590, C>T. VCF-style: chr4-5809590-C-T. GRCh37 (hg19) VCF-style: chr4-5811317-C-T.
Other names: c.2761C>T, p.Pro921Ser (NM_001306090.2); short protein forms P921S.
Identifiers: ClinVar variation 845826 (VCV000845826.9), dbSNP rs771505230, ClinGen allele CA91727410.